The following is an entry in ClinVar:

ClinVar aggregate classification (germline): Uncertain significance (1 of 4 stars; one submission).

Conditions:
Myofibrillar myopathy 5. Also called: FILAMINOPATHY, AUTOSOMAL DOMINANT; Filaminopathy (type). Identifiers: Orphanet 171445, MedGen C1836050, MONDO:0012289, OMIM 609524.
Distal myopathy with posterior leg and anterior hand involvement. Also called: WILLIAMS DISTAL MYOPATHY. Identifiers: Orphanet 63273, MedGen C3279722, MONDO:0013550, OMIM 614065.
Hypertrophic cardiomyopathy 26. Also called: Cardiomyopathy, familial hypertrophic, 26. Identifiers: Orphanet 75249, MedGen C4310749, MONDO:0014883, OMIM 617047.
Dilated Cardiomyopathy, Dominant.

Allele frequency attached by ClinVar (database versions not stated): gnomAD exomes below 0.00001.
gnomAD v4.1: 4 of 1,614,018 alleles (0.00025%); highest among the groups gnomAD compares: Non-Finnish European, 0.00034%; no homozygotes.

Submission:

Labcorp Genetics (formerly Invitae), Labcorp
Classification: Uncertain significance for Myopathy, distal, 4; Dilated Cardiomyopathy, Dominant; Myofibrillar myopathy, filamin C-related; Cardiomyopathy, familial hypertrophic, 26. Last evaluated: 2019-02-11. Review status: criteria provided, single submitter. Criteria: Invitae Variant Classification Sherloc (09022015). Collection method: clinical testing. Allele origin: germline.
Comment: This sequence change replaces aspartic acid with glycine at codon 331 of the FLNC protein (p.Asp331Gly). The aspartic acid residue is highly conserved and there is a moderate physicochemical difference between aspartic acid and glycine. This variant is not present in population databases (ExAC no frequency). This variant has not been reported in the literature in individuals with FLNC-related conditions. Algorithms developed to predict the effect of missense changes on protein structure and function are either unavailable or do not agree on the potential impact of this missense change (SIFT: "Deleterious"; PolyPhen-2: "Possibly Damaging"; Align-GVGD: "Class C0"). In summary, the available evidence is currently insufficient to determine the role of this variant in disease. Therefore, it has been classified as a Variant of Uncertain Significance.

NM_001458.5(FLNC):c.992A>G (p.Asp331Gly)

Gene: FLNC (filamin C; plus strand). Cytogenetic location: 7q32.1.
Variant type: single nucleotide variant.
Coding change: c.992A>G on transcript NM_001458.5 (MANE Select); coding-DNA position 992, A replaced by G.
Protein change: p.Asp331Gly; replaces aspartic acid 331 with glycine.
Molecular consequence: missense variant.
Genome position (GRCh38, 1-based): chr7:128,838,009, A>G. VCF-style: chr7-128838009-A-G. GRCh37 (hg19) VCF-style: chr7-128478063-A-G.
Other names: c.992A>G, p.Asp331Gly (NM_001127487.2); short protein forms D331G.
Identifiers: ClinVar variation 852944 (VCV000852944.1), dbSNP rs1808169515, ClinGen allele CA369223348.